The following is an entry in ClinVar:

NM_018676.4(THSD1):c.670C>T (p.Arg224Ter)

Gene: THSD1 (thrombospondin type 1 domain containing 1; minus strand). Cytogenetic location: 13q14.3.
Variant type: single nucleotide variant.
Coding change: c.670C>T on transcript NM_018676.4 (MANE Select); coding-DNA position 670, C replaced by T.
Protein change: p.Arg224Ter; replaces arginine 224 with a stop codon.
Molecular consequence: nonsense.
Genome position (GRCh38, 1-based): chr13:52,397,583, G>A on the plus strand (C>T on the coding strand, the complement: THSD1 is on the minus strand). VCF-style: chr13-52397583-G-A. GRCh37 (hg19) VCF-style: chr13-52971718-G-A.
Other names: THSD1, ARG224TER (rs9536062); c.670C>T, p.Arg224Ter (NM_199263.3); short protein forms R224*.
Identifiers: ClinVar variation 190465 (VCV000190465.4), dbSNP rs9536062, ClinGen allele CA199725.

ClinVar aggregate classification (germline): Conflicting classifications of pathogenicity. Review status: criteria provided, conflicting classifications (1 of 4 stars). 4 submissions from 3 submitters: Likely pathogenic (2); Uncertain significance (1). 1 of the submissions does not count toward it. Last evaluated 2025-09-10.

Conditions:
Lymphatic malformation 13 (LMPHM13). Also called: HYDROPS FETALIS, NONIMMUNE, WITH CARDIAC DEFECTS AND HEMANGIOMAS. Identifiers: MedGen C5830279, MONDO:0859379, OMIM 620244.
Non-immune hydrops fetalis (NIHF). Also called: Fetal edema; Idiopathic hydrops fetalis; Familial non-immune hydrops fetalis. Identifiers: Orphanet 363999, MedGen C0455988, MONDO:0009369, OMIM 236750, HP:0001790.

Submissions (4):

Genomic Medicine Center of Excellence, King Faisal Specialist Hospital and Research Centre
Classification: Likely pathogenic for Lymphatic malformation 13. Last evaluated: 2025-09-10. Review status: criteria provided, single submitter. Criteria: ACMG Guidelines, 2015. Collection method: clinical testing. Allele origin: germline.

GeneDx
Classification: Uncertain significance. Last evaluated: 2024-07-23. Review status: criteria provided, single submitter. Criteria: GeneDx Variant Classification Process June 2021. Collection method: clinical testing. Allele origin: germline. Affected: yes.
Comment: Nonsense variant predicted to result in protein truncation or nonsense mediated decay in a gene or region of a gene for which loss of function is not a well-established mechanism of disease; This variant is associated with the following publications: (PMID: 37993095, Abdullah2021[CaseReport], 33569873, 26036949)

Genomic Medicine Center of Excellence, King Faisal Specialist Hospital and Research Centre
Classification: Likely pathogenic for Non-Immune hydrops fetalis. Last evaluated: 2014-10-30. Review status: criteria provided, single submitter. Criteria: Submitter's publication. Collection method: research. Allele origin: germline. Affected: yes. Observed: 2 homozygotes.

OMIM
Classification: Pathogenic for LYMPHATIC MALFORMATION 13. Last evaluated: 2015-06-03. Review status: no assertion criteria provided. Collection method: literature only. Allele origin: germline. Not counted in ClinVar's aggregate classification.

Literature cited by the submitters: PubMed 26036949 (cited by OMIM).